The following is an entry in ClinVar:

NM_001848.3(COL6A1):c.2250+19G>C

Gene: COL6A1 (collagen type VI alpha 1 chain; plus strand). Cytogenetic location: 21q22.3.
Variant type: single nucleotide variant.
Coding change: c.2250+19G>C on transcript NM_001848.3 (MANE Select); 19 bases into the intron after coding-DNA position 2250, G replaced by C.
Molecular consequence: intron variant.
Genome position (GRCh38, 1-based): chr21:46,002,420, G>C. VCF-style: chr21-46002420-G-C. GRCh37 (hg19) VCF-style: chr21-47422334-G-C.
Identifiers: ClinVar variation 382729 (VCV000382729.1), dbSNP rs1057521436, ClinGen allele CA16609072.

ClinVar aggregate classification (germline): Likely benign (1 of 4 stars; one submission).

Allele frequency attached by ClinVar (database versions not stated): TOPMed below 0.00001.

Submission:

GeneDx
Classification: Likely benign. Last evaluated: 2016-01-28. Review status: criteria provided, single submitter. Criteria: GeneDx Variant Classification (06012015). Collection method: clinical testing. Allele origin: germline. Affected: yes.
Comment: This variant is considered likely benign or benign based on one or more of the following criteria: it is a conservative change, it occurs at a poorly conserved position in the protein, it is predicted to be benign by multiple in silico algorithms, and/or has population frequency not consistent with disease.